The following is an entry in ClinVar:

ClinVar aggregate classification (germline): Uncertain significance (1 of 4 stars; one submission).

Allele frequency attached by ClinVar (database versions not stated): gnomAD exomes below 0.00001; ExAC 0.00001.
gnomAD v4.1: 5 of 1,614,070 alleles (0.00031%); highest among the groups gnomAD compares: Non-Finnish European, 0.00042%; no homozygotes.

Submission:

Labcorp Genetics (formerly Invitae), Labcorp
Classification: Uncertain significance. Last evaluated: 2022-07-26. Review status: criteria provided, single submitter. Criteria: Invitae Variant Classification Sherloc (09022015). Collection method: clinical testing. Allele origin: germline.
Comment: In summary, the available evidence is currently insufficient to determine the role of this variant in disease. Therefore, it has been classified as a Variant of Uncertain Significance. Algorithms developed to predict the effect of missense changes on protein structure and function are either unavailable or do not agree on the potential impact of this missense change (SIFT: "Deleterious"; PolyPhen-2: "Probably Damaging"; Align-GVGD: "Class C0"). This variant has not been reported in the literature in individuals affected with IMPG1-related conditions. This variant is present in population databases (rs771868656, gnomAD 0.0009%). This sequence change replaces valine, which is neutral and non-polar, with leucine, which is neutral and non-polar, at codon 106 of the IMPG1 protein (p.Val106Leu).

NM_001563.4(IMPG1):c.316G>C (p.Val106Leu)

Gene: IMPG1 (interphotoreceptor matrix proteoglycan 1; minus strand). Cytogenetic location: 6q14.1.
Variant type: single nucleotide variant.
Coding change: c.316G>C on transcript NM_001563.4 (MANE Select); coding-DNA position 316, G replaced by C.
Protein change: p.Val106Leu; replaces valine 106 with leucine.
Molecular consequence: missense variant.
Genome position (GRCh38, 1-based): chr6:76,034,773, C>G on the plus strand (G>C on the coding strand, the complement: IMPG1 is on the minus strand). VCF-style: chr6-76034773-C-G. GRCh37 (hg19) VCF-style: chr6-76744490-C-G.
Other names: c.82G>C, p.Val28Leu (NM_001282368.2); short protein forms V106L, V28L.
Identifiers: ClinVar variation 1927238 (VCV001927238.5), dbSNP rs771868656, ClinGen allele CA3898573.